The following is an entry in ClinVar:

ClinVar aggregate classification (germline): Uncertain significance. Review status: criteria provided, multiple submitters, no conflicts (2 of 4 stars). 2 submissions from 2 submitters: Uncertain significance (2). Last evaluated 2025-09-22.

Conditions:
Inborn genetic diseases. Identifiers: MedGen C0950123, MeSH D030342.
Curry-Hall syndrome (WAD). Also called: WEYERS ACRODENTAL DYSOSTOSIS. Identifiers: Orphanet 952, MedGen C0457013, MONDO:0008673, OMIM 193530.
Ellis-van Creveld syndrome (EVC). Also called: Chondroectodermal dysplasia; MESOECTODERMAL DYSPLASIA; EVC-Related Ellis-van Creveld Syndrome; EVC2-Related Ellis-van Creveld Syndrome. Identifiers: Orphanet 289, MedGen C0013903, MONDO:0009162, OMIM 225500.

gnomAD v4.1: 5 of 1,614,184 alleles (0.00031%); highest among the groups gnomAD compares: Admixed American, 0.0083%; no homozygotes.

Submissions (2):

Ambry Genetics
Classification: Uncertain significance for Inborn genetic diseases. Last evaluated: 2025-09-22. Review status: criteria provided, single submitter. Criteria: Ambry Variant Classification Scheme 2023. Collection method: clinical testing. Allele origin: germline.

Labcorp Genetics (formerly Invitae), Labcorp
Classification: Uncertain significance for Curry-Hall syndrome; Ellis-van Creveld syndrome. Last evaluated: 2024-07-01. Review status: criteria provided, single submitter. Criteria: Invitae Variant Classification Sherloc (09022015). Collection method: clinical testing. Allele origin: germline.
Comment: This sequence change replaces glycine, which is neutral and non-polar, with valine, which is neutral and non-polar, at codon 296 of the EVC2 protein (p.Gly296Val). This variant is present in population databases (rs201083070, gnomAD 0.01%). This variant has not been reported in the literature in individuals affected with EVC2-related conditions. ClinVar contains an entry for this variant (Variation ID: 2069470). An algorithm developed to predict the effect of missense changes on protein structure and function (PolyPhen-2) suggests that this variant is likely to be disruptive. In summary, the available evidence is currently insufficient to determine the role of this variant in disease. Therefore, it has been classified as a Variant of Uncertain Significance.

NM_147127.5(EVC2):c.887G>T (p.Gly296Val)

Gene: EVC2 (EvC ciliary complex subunit 2; minus strand). Cytogenetic location: 4p16.2.
Variant type: single nucleotide variant.
Coding change: c.887G>T on transcript NM_147127.5 (MANE Select); coding-DNA position 887, G replaced by T.
Protein change: p.Gly296Val; replaces glycine 296 with valine.
Molecular consequence: missense variant.
Genome position (GRCh38, 1-based): chr4:5,665,633, C>A on the plus strand (G>T on the coding strand, the complement: EVC2 is on the minus strand). VCF-style: chr4-5665633-C-A. GRCh37 (hg19) VCF-style: chr4-5667360-C-A.
Other names: c.647G>T, p.Gly216Val (NM_001166136.2); c.887G>T (NM_147127.4); short protein forms G296V, G216V.
Identifiers: ClinVar variation 2069470 (VCV002069470.4), dbSNP rs201083070, ClinGen allele CA2835240.